The following is an entry in ClinVar:

NM_003108.4(SOX11):c.880T>C (p.Tyr294His)

Gene: SOX11 (SRY-box transcription factor 11; plus strand). Cytogenetic location: 2p25.2.
Variant type: single nucleotide variant.
Coding change: c.880T>C on transcript NM_003108.4 (MANE Select); coding-DNA position 880, T replaced by C.
Protein change: p.Tyr294His; replaces tyrosine 294 with histidine.
Molecular consequence: missense variant.
Genome position (GRCh38, 1-based): chr2:5,693,601, T>C. VCF-style: chr2-5693601-T-C. GRCh37 (hg19) VCF-style: chr2-5833733-T-C.
Other names: short protein forms Y294H.
Identifiers: ClinVar variation 3770020 (VCV003770020.1).
Genomic context (GRCh38, chr2:5,693,601, plus strand): 5'-AAAGTGCCCGCCAGCCCTACGCTGAGCAGCTCGGCGGAGTCCCCCGAGGGAGCGAGCCTC[T>C]ACGACGAGGTGCGGGCCGGCGCGACCTCGGGCGCCGGGGGCGGCAGCCGCCTCTACTACA-3'
Protein context (NP_003099.1, residues 284-304): SAESPEGASL[Tyr294His]DEVRAGATSG

ClinVar aggregate classification (germline): Uncertain significance (1 of 4 stars; one submission).

Submission:

GeneDx
Classification: Uncertain significance. Last evaluated: 2024-09-16. Review status: criteria provided, single submitter. Criteria: GeneDx Variant Classification Process June 2021. Collection method: clinical testing. Allele origin: germline. Affected: yes.
Comment: Not observed at significant frequency in large population cohorts (gnomAD); In silico analysis supports that this missense variant has a deleterious effect on protein structure/function; Has not been previously published as pathogenic or benign to our knowledge